The following is an entry in ClinVar:

ClinVar aggregate classification (germline): Likely benign. Review status: criteria provided, multiple submitters, no conflicts (2 of 4 stars). 2 submissions from 2 submitters: Likely benign (2). Last evaluated 2026-04-01.

Submissions (2):

CeGaT Center for Human Genetics Tuebingen
Classification: Likely benign. Last evaluated: 2026-04-01. Review status: criteria provided, single submitter. Criteria: CeGaT Center For Human Genetics Tuebingen Variant Classification Criteria Version 2. Collection method: clinical testing. Allele origin: germline. Affected: yes. Observed: 1 variant allele.
Comment: SON: PM4, BS2

Labcorp Genetics (formerly Invitae), Labcorp
Classification: Likely benign. Last evaluated: 2025-09-10. Review status: criteria provided, single submitter. Criteria: Invitae Variant Classification Sherloc (09022015). Collection method: clinical testing. Allele origin: germline.

NM_138927.4(SON):c.669AGAGCAGTC[1] (p.224EQS[1])

Gene: SON (SON DNA and RNA binding protein; plus strand). Cytogenetic location: 21q22.11.
Variant type: Microsatellite.
Coding change: c.669AGAGCAGTC[1] on transcript NM_138927.4 (MANE Select); one copy of the 9-base unit AGAGCAGTC starting at c.669; the reference has two copies in a row; one copy, 9 bases deleted.
Protein change: p.224EQS[1].
Molecular consequence: inframe deletion. On other transcripts: non-coding transcript variant (1), intron variant (1).
Genome position (GRCh38, 1-based): chr21:33,549,909-33,549,917, AGAGCAGTC deleted; deleting any 9 consecutive bases within chr21:33,549,898-33,549,917 gives the same sequence; the position shown is the placement nearest the transcript's 3' end. VCF-style (leftmost placement, unchanged base first): chr21-33549897-CTCAGAGCAG-C. GRCh37 (hg19) VCF-style: chr21-34922203-CTCAGAGCAG-C.
Other names: c.669AGAGCAGTC[1], p.224EQS[1] (NM_001291411.2, NM_032195.3); c.244+3530_244+3538del (NM_001291412.3).
Identifiers: ClinVar variation 1442039 (VCV001442039.10), dbSNP rs758767051, ClinGen allele CA10008731.